The following is an entry in ClinVar:

NM_022051.3(EGLN1):c.791C>T (p.Pro264Leu)

Genes: EGLN1 (egl-9 family hypoxia inducible factor 1; minus strand), LOC129932769 (ATAC-STARR-seq lymphoblastoid active region 2730; plus strand). Cytogenetic location: 1q42.2.
Variant type: single nucleotide variant.
Coding change: c.791C>T on transcript NM_022051.3 (MANE Select); coding-DNA position 791, C replaced by T.
Protein change: p.Pro264Leu; replaces proline 264 with leucine.
Molecular consequence: missense variant.
Genome position (GRCh38, 1-based): chr1:231,421,098, G>A on the plus strand (C>T on the coding strand, the complement: EGLN1 is on the minus strand). VCF-style: chr1-231421098-G-A. GRCh37 (hg19) VCF-style: chr1-231556844-G-A.
Other names: c.791C>T, p.Pro264Leu (NM_001377260.1, NM_001377261.1); short protein forms P264L.
Identifiers: ClinVar variation 2737786 (VCV002737786.3), dbSNP rs2527358558, ClinGen allele CA345235224.

ClinVar aggregate classification (germline): Uncertain significance (1 of 4 stars; one submission).

Conditions:
Erythrocytosis, familial, 3 (ECYT3). Identifiers: Orphanet 247511, MedGen C1853286, MONDO:0012353, OMIM 609820.

gnomAD v4.1: 1 of 1,614,194 alleles (0.000062%); highest among the groups gnomAD compares: Non-Finnish European, 0.000085%; no homozygotes.

Submission:

Labcorp Genetics (formerly Invitae), Labcorp
Classification: Uncertain significance for Erythrocytosis, familial, 3. Last evaluated: 2023-11-24. Review status: criteria provided, single submitter. Criteria: Invitae Variant Classification Sherloc (09022015). Collection method: clinical testing. Allele origin: germline.
Comment: This sequence change replaces proline, which is neutral and non-polar, with leucine, which is neutral and non-polar, at codon 264 of the EGLN1 protein (p.Pro264Leu). This variant is not present in population databases (gnomAD no frequency). This variant has not been reported in the literature in individuals affected with EGLN1-related conditions. An algorithm developed to predict the effect of missense changes on protein structure and function (PolyPhen-2) suggests that this variant is likely to be tolerated. In summary, the available evidence is currently insufficient to determine the role of this variant in disease. Therefore, it has been classified as a Variant of Uncertain Significance.